The following is an entry in ClinVar:

NM_001291415.2(KDM6A):c.1908G>A (p.Thr636=)

Gene: KDM6A (lysine demethylase 6A; plus strand). Cytogenetic location: Xp11.3.
Variant type: single nucleotide variant.
Coding change: c.1908G>A on transcript NM_001291415.2 (MANE Select); coding-DNA position 1908, G replaced by A.
Protein change: p.Thr636=; no amino-acid change (threonine 636 retained).
Molecular consequence: synonymous variant. On other transcripts: non-coding transcript variant (1).
Genome position (GRCh38, 1-based): chrX:45,063,646, G>A. VCF-style: chrX-45063646-G-A. GRCh37 (hg19) VCF-style: chrX-44922891-G-A.
Other names: c.1773G>A, p.Thr591= (NM_001291416.2, NM_001419811.1); c.1617G>A, p.Thr539= (NM_001291417.2); c.1515G>A, p.Thr505= (NM_001291418.2, NM_001419815.1); c.864G>A, p.Thr288= (NM_001291421.2); c.1650G>A, p.Thr550= (NM_001410742.1, NM_001419814.1); c.1908G>A, p.Thr636= (NM_001419809.1); c.1806G>A, p.Thr602= (NM_001419810.1, NM_001419813.1); c.1752G>A, p.Thr584= (NM_001419812.1, NM_021140.4).
Identifiers: ClinVar variation 3239074 (VCV003239074.19), dbSNP rs747029360.

ClinVar aggregate classification (germline): Likely benign (1 of 4 stars; one submission).

gnomAD v4.1: 1 of 1,210,510 alleles (0.000083%); highest among the groups gnomAD compares: African/African-American, 0.0017%; no homozygotes.

Submission:

CeGaT Center for Human Genetics Tuebingen
Classification: Likely benign. Last evaluated: 2024-05-01. Review status: criteria provided, single submitter. Criteria: CeGaT Center For Human Genetics Tuebingen Variant Classification Criteria Version 2. Collection method: clinical testing. Allele origin: germline. Affected: yes. Observed: 1 variant allele.
Comment: KDM6A: PM2:Supporting, BP4, BP7